The following is an entry in ClinVar:

ClinVar aggregate classification (germline): Uncertain significance. Review status: criteria provided, multiple submitters, no conflicts (2 of 4 stars). 3 submissions from 3 submitters: Uncertain significance (3). Last evaluated 2025-02-25.

Conditions:
Inborn genetic diseases. Identifiers: MedGen C0950123, MeSH D030342.
Charcot-Marie-Tooth disease type 4. Also called: Charcot-Marie-Tooth disease, type IV; Charcot-Marie-Tooth, Type 4. Identifiers: Orphanet 64749, MedGen C4082197, MONDO:0018995.

Allele frequency attached by ClinVar (database versions not stated): ExAC 0.00001.
gnomAD v4.1: 18 of 1,600,318 alleles (0.0011%); highest among the groups gnomAD compares: East Asian, 0.0023%; no homozygotes.

Submissions (3):

Ambry Genetics
Classification: Uncertain significance for Inborn genetic diseases. Last evaluated: 2025-02-25. Review status: criteria provided, single submitter. Criteria: Ambry Variant Classification Scheme 2023. Collection method: clinical testing. Allele origin: germline.

GeneDx
Classification: Uncertain significance. Last evaluated: 2023-03-16. Review status: criteria provided, single submitter. Criteria: GeneDx Variant Classification Process June 2021. Collection method: clinical testing. Allele origin: germline. Affected: yes.
Comment: Not observed at significant frequency in large population cohorts (gnomAD); In silico analysis supports that this missense variant does not alter protein structure/function; Has not been previously published as pathogenic or benign to our knowledge

Labcorp Genetics (formerly Invitae), Labcorp
Classification: Uncertain significance for Charcot-Marie-Tooth disease type 4. Last evaluated: 2021-09-20. Review status: criteria provided, single submitter. Criteria: Invitae Variant Classification Sherloc (09022015). Collection method: clinical testing. Allele origin: germline.
Comment: This sequence change replaces glutamic acid with lysine at codon 1321 of the PRX protein (p.Glu1321Lys). The glutamic acid residue is moderately conserved and there is a small physicochemical difference between glutamic acid and lysine. This variant is present in population databases (rs748063094, ExAC 0.02%). This variant has not been reported in the literature in individuals affected with PRX-related conditions. Algorithms developed to predict the effect of missense changes on protein structure and function are either unavailable or do not agree on the potential impact of this missense change (SIFT: "Tolerated"; PolyPhen-2: "Possibly Damaging"; Align-GVGD: "Class C0"). In summary, the available evidence is currently insufficient to determine the role of this variant in disease. Therefore, it has been classified as a Variant of Uncertain Significance.

NM_181882.3(PRX):c.3961G>A (p.Glu1321Lys)

Gene: PRX (periaxin; minus strand). Cytogenetic location: 19q13.2.
Variant type: single nucleotide variant.
Coding change: c.3961G>A on transcript NM_181882.3 (MANE Select); coding-DNA position 3961, G replaced by A.
Protein change: p.Glu1321Lys; replaces glutamic acid 1321 with lysine.
Molecular consequence: missense variant. On other transcripts: 3 prime UTR variant (1).
Genome position (GRCh38, 1-based): chr19:40,394,391, C>T on the plus strand (G>A on the coding strand, the complement: PRX is on the minus strand). VCF-style: chr19-40394391-C-T. GRCh37 (hg19) VCF-style: chr19-40900298-C-T.
Other names: c.*4166G>A (NM_020956.2); c.3961G>A (NM_181882.2); short protein forms E1321K.
Identifiers: ClinVar variation 1465252 (VCV001465252.4), dbSNP rs748063094, ClinGen allele CA9443728.